The following is an entry in ClinVar:

NM_001042492.3(NF1):c.6159G>T (p.Arg2053Ser)

Gene: NF1 (neurofibromin 1; plus strand). Cytogenetic location: 17q11.2.
Variant type: single nucleotide variant.
Coding change: c.6159G>T on transcript NM_001042492.3 (MANE Select); coding-DNA position 6159, G replaced by T.
Protein change: p.Arg2053Ser; replaces arginine 2053 with serine.
Molecular consequence: missense variant.
Genome position (GRCh38, 1-based): chr17:31,336,646, G>T. VCF-style: chr17-31336646-G-T. GRCh37 (hg19) VCF-style: chr17-29663664-G-T.
Other names: c.6096G>T, p.Arg2032Ser (NM_000267.4); short protein forms R2032S, R2053S.
Identifiers: ClinVar variation 3602680 (VCV003602680.2).

ClinVar aggregate classification (germline): Uncertain significance. Review status: criteria provided, multiple submitters, no conflicts (2 of 4 stars). 2 submissions from 2 submitters: Uncertain significance (2). Last evaluated 2025-08-03.

Conditions:
Cardiovascular phenotype. Identifiers: MedGen CN230736.
Hereditary cancer-predisposing syndrome. Also called: Neoplastic Syndromes, Hereditary; Hereditary neoplastic syndrome; Tumor predisposition; Hereditary Cancer Syndrome. Identifiers: Orphanet 140162, MedGen C0027672, MeSH D009386, MONDO:0015356.
Neurofibromatosis, type 1 (NF1). Also called: VON RECKLINGHAUSEN DISEASE; NEUROFIBROMATOSIS, TYPE I, SOMATIC; Peripheral type neurofibromatosis; Neurofibromatosis, type I. Identifiers: Orphanet 636, MedGen C0027831, MONDO:0018975, OMIM 162200. Disease mechanism: loss of function.

Submissions (2):

Ambry Genetics
Classification: Uncertain significance for Cardiovascular phenotype; Hereditary cancer-predisposing syndrome. Last evaluated: 2025-08-03. Review status: criteria provided, single submitter. Criteria: Ambry Variant Classification Scheme 2023. Collection method: clinical testing. Allele origin: germline.
Comment: The p.R2032S variant (also known as c.6096G>T), located in coding exon 41 of the NF1 gene, results from a G to T substitution at nucleotide position 6096. The arginine at codon 2032 is replaced by serine, an amino acid with dissimilar properties. This amino acid position is conserved. In addition, this alteration is predicted to be deleterious by in silico analysis. Based on the available evidence, the clinical significance of this variant remains unclear.

St. Jude Molecular Pathology, St. Jude Children's Research Hospital
Classification: Uncertain significance for Neurofibromatosis, type 1. Last evaluated: 2025-02-05. Review status: criteria provided, single submitter. Criteria: St. Jude Assertion Criteria 2020. Collection method: clinical testing. Allele origin: germline.
Comment: The NF1 c.6096G>T p.(Arg2032Ser) missense change is absent in gnomAD v2.1.1. The in silico tool REVEL is inconclusive about a pathogenic or benign effect of this variant on protein function, and to our knowledge functional studies have not been performed. To our knowledge, this variant has not been reported in individuals with Neurofibromatosis type 1. In summary, the evidence currently available is insufficient to determine the clinical significance of this variant. It has therefore been classified as of uncertain significance.